The following is an entry in ClinVar:

ClinVar aggregate classification (germline): Likely benign (1 of 4 stars; one submission).

Submission:

CeGaT Center for Human Genetics Tuebingen
Classification: Likely benign. Last evaluated: 2026-07-01. Review status: criteria provided, single submitter. Criteria: CeGaT Center For Human Genetics Tuebingen Variant Classification Criteria Version 2. Collection method: clinical testing. Allele origin: germline. Affected: yes. Observed: 1 variant allele.
Comment: CRIPAK: BP4

NC_000004.12:g.1395401T>C

Genes: CRIPAK (cysteine rich PAK1 inhibitor; plus strand), UVSSA (UV stimulated scaffold protein A; plus strand), LOC126806945 (P300/CBP strongly-dependent group 1 enhancer GRCh37_chr4:1388225-1389424; plus strand). Cytogenetic location: 4p16.3.
Variant type: single nucleotide variant.
Genome position: GRCh38 VCF-style: chr4-1395401-T-C. GRCh37 (hg19) VCF-style: chr4-1389189-T-C.
Identifiers: ClinVar variation 5038612 (VCV005038612.1).